The following is an entry in ClinVar:

NM_014334.4(FRRS1L):c.581A>G (p.Glu194Gly)

Gene: FRRS1L (ferric chelate reductase 1 like; minus strand). Cytogenetic location: 9q31.3.
Variant type: single nucleotide variant.
Coding change: c.581A>G on transcript NM_014334.4 (MANE Select); coding-DNA position 581, A replaced by G.
Protein change: p.Glu194Gly; replaces glutamic acid 194 with glycine.
Molecular consequence: missense variant.
Genome position (GRCh38, 1-based): chr9:109,141,471, T>C on the plus strand (A>G on the coding strand, the complement: FRRS1L is on the minus strand). VCF-style: chr9-109141471-T-C. GRCh37 (hg19) VCF-style: chr9-111903751-T-C.
Other names: short protein forms E194G.
Identifiers: ClinVar variation 4527202 (VCV004527202.1).

ClinVar aggregate classification (germline): Uncertain significance (1 of 4 stars; one submission).

gnomAD v4.1: 4 of 1,614,160 alleles (0.00025%); highest among the groups gnomAD compares: Non-Finnish European, 0.00034%; no homozygotes.

Submission:

GeneDx
Classification: Uncertain significance. Last evaluated: 2025-04-23. Review status: criteria provided, single submitter. Criteria: GeneDx Variant Classification Process June 2021. Collection method: clinical testing. Allele origin: germline. Affected: yes.
Comment: Not observed at significant frequency in large population cohorts (gnomAD); In silico analysis supports that this missense variant has a deleterious effect on protein structure/function; Has not been previously published as pathogenic or benign to our knowledge